The following is an entry in ClinVar:

NM_004329.3(BMPR1A):c.1347del (p.Ile449fs)

Gene: BMPR1A (bone morphogenetic protein receptor type 1A; plus strand). Cytogenetic location: 10q23.2.
Variant type: Deletion.
Coding change: c.1347del on transcript NM_004329.3 (MANE Select); coding-DNA position 1347, one base deleted (C; older notation c.1347delC).
Protein change: p.Ile449fs; shifts the reading frame from isoleucine 449.
Molecular consequence: frameshift variant.
Genome position (GRCh38, 1-based): chr10:86,923,380, C deleted. VCF-style (leftmost placement, unchanged base first): chr10-86923379-TC-T. GRCh37 (hg19) VCF-style: chr10-88683136-TC-T.
Other names: short protein forms I449fs.
Identifiers: ClinVar variation 817620 (VCV000817620.1), dbSNP rs1589293414, ClinGen allele CA915947547.
Genomic context (GRCh38, chr10:86,923,379, plus strand): 5'-TTGGTATATCTTGTCCAGCAACCATTTTTGTGCCCATGTTTTCTCATTCCCTTATAGGGA[TC>T]GTGGAAGAATACCAATTGCCATATTACAACATGGTACCGAGTGATCCGTCATACGAAGAT-3'

ClinVar aggregate classification (germline): Likely pathogenic (1 of 4 stars; one submission).

Submission:

GeneDx
Classification: Likely pathogenic. Last evaluated: 2018-05-17. Review status: criteria provided, single submitter. Criteria: GeneDx Variant Classification (06012015). Collection method: clinical testing. Allele origin: germline. Affected: yes.
Comment: This deletion of one nucleotide in BMPR1A is denoted c.1347delC at the cDNA level and p.Ile449MetfsX49 (I449MfsX49) at the protein level. The normal sequence, with the base that is deleted in brackets, is GGAT[delC]GTGG. The deletion causes a frameshift which changes an Isoleucine to a Methionine at codon 449, and creates a premature stop codon at position 49 of the new reading frame. This variant is predicted to cause loss of normal protein function through protein truncation as the last 84 amino acids are lost and replaced with 48 incorrect amino acids. The disrupted region at the end of the gene is located within the protein kinase domain (UniProt). BMPR1A c.1347delC has been observed in an individual with reported juvenile polyposis syndrome (Handra-Luca 2005). Based on currently available evidence, we consider this deletion to be a likely pathogenic variant.